The following is an entry in ClinVar:

NM_016592.5(GNAS):c.566G>A (p.Arg189Lys)

Genes: GNAS-AS1 (GNAS antisense RNA 1; minus strand), GNAS (GNAS complex locus; plus strand). Cytogenetic location: 20q13.32.
Variant type: single nucleotide variant.
Coding change: c.566G>A on transcript NM_016592.5 (MANE Plus Clinical); coding-DNA position 566, G replaced by A.
Protein change: p.Arg189Lys; replaces arginine 189 with lysine.
Molecular consequence: missense variant. On other transcripts: 5 prime UTR variant (1).
Genome position (GRCh38, 1-based): chr20:58,840,672, G>A. VCF-style: chr20-58840672-G-A. GRCh37 (hg19) VCF-style: chr20-57415727-G-A.
Other names: c.-172G>A (NM_001410912.1); short protein forms R189K.
Identifiers: ClinVar variation 4993267 (VCV004993267.1).

ClinVar aggregate classification (germline): Uncertain significance (1 of 4 stars; one submission).

Conditions:
GNAS-related disorder. Identifiers: MedGen CN380105.

Submission:

PreventionGenetics, part of Exact Sciences
Classification: Uncertain significance for GNAS-related condition. Last evaluated: 2026-03-05. Review status: criteria provided, single submitter. Criteria: ACMG Guidelines, 2015. Collection method: clinical testing. Allele origin: germline.
Comment: The GNAS c.566G>A variant is predicted to result in the amino acid substitution p.Arg189Lys. To our knowledge, this variant has not been reported in the literature or in a large population database (gnomAD), indicating this variant is rare. At this time, the clinical significance of this variant is uncertain due to the absence of conclusive functional and genetic evidence.